The following is an entry in ClinVar:

NM_018344.6(SLC29A3):c.431C>G (p.Ala144Gly)

Gene: SLC29A3 (solute carrier family 29 member 3; plus strand). Cytogenetic location: 10q22.1.
Variant type: single nucleotide variant.
Coding change: c.431C>G on transcript NM_018344.6 (MANE Select); coding-DNA position 431, C replaced by G.
Protein change: p.Ala144Gly; replaces alanine 144 with glycine.
Molecular consequence: missense variant. On other transcripts: non-coding transcript variant (1).
Genome position (GRCh38, 1-based): chr10:71,351,609, C>G. VCF-style: chr10-71351609-C-G. GRCh37 (hg19) VCF-style: chr10-73111366-C-G.
Other names: c.431C>G, p.Ala144Gly (NM_001174098.2); c.197C>G, p.Ala66Gly (NM_001363518.2); c.431C>G (NM_018344.5); short protein forms A144G, A66G.
Identifiers: ClinVar variation 1060657 (VCV001060657.7), dbSNP rs751289697, ClinGen allele CA5542932.

ClinVar aggregate classification (germline): Uncertain significance. Review status: criteria provided, multiple submitters, no conflicts (2 of 4 stars). 2 submissions from 2 submitters: Uncertain significance (2). Last evaluated 2021-09-01.

Conditions:
H syndrome. Also called: Asrar Facharzt Haque syndrome; FAISALABAD HISTIOCYTOSIS; HISTIOCYTOSIS AND LYMPHADENOPATHY WITH OR WITHOUT CUTANEOUS, CARDIAC, AND/OR ENDOCRINE FEATURES, JOINT CONTRACTURES, AND/OR DEAFNESS; HYPERPIGMENTATION, CUTANEOUS, WITH HYPERTRICHOSIS, HEPATOSPLENOMEGALY, HEART ANOMALIES, AND HYPOGONADISM WITH OR WITHOUT HEARING LOSS; PIGMENTED HYPERTRICHOSIS WITH INSULIN-DEPENDENT DIABETES MELLITUS; ROSAI-DORFMAN DISEASE, FAMILIAL. Identifiers: Orphanet 168569, MedGen C1864445, MONDO:0011273, OMIM 602782.
Inborn genetic diseases. Identifiers: MedGen C0950123, MeSH D030342.

Allele frequency attached by ClinVar (database versions not stated): gnomAD exomes below 0.00001; ExAC 0.00001; gnomAD 0.00001; TOPMed 0.00001.
gnomAD v4.1: 2 of 1,614,126 alleles (0.00012%); highest among the groups gnomAD compares: Non-Finnish European, 0.00017%; no homozygotes.

Submissions (2):

Labcorp Genetics (formerly Invitae), Labcorp
Classification: Uncertain significance for H syndrome. Last evaluated: 2021-09-01. Review status: criteria provided, single submitter. Criteria: Invitae Variant Classification Sherloc (09022015). Collection method: clinical testing. Allele origin: germline.
Comment: This sequence change replaces alanine with glycine at codon 144 of the SLC29A3 protein (p.Ala144Gly). The alanine residue is moderately conserved and there is a small physicochemical difference between alanine and glycine. This variant is present in population databases (rs751289697, ExAC 0.001%). This variant has not been reported in the literature in individuals affected with SLC29A3-related conditions. Algorithms developed to predict the effect of missense changes on protein structure and function are either unavailable or do not agree on the potential impact of this missense change (SIFT: "Deleterious"; PolyPhen-2: "Benign"; Align-GVGD: "Class C0"). In summary, the available evidence is currently insufficient to determine the role of this variant in disease. Therefore, it has been classified as a Variant of Uncertain Significance.

Ambry Genetics
Classification: Uncertain significance for Inborn genetic diseases. Last evaluated: 2021-07-14. Review status: criteria provided, single submitter. Criteria: Ambry Variant Classification Scheme 2023. Collection method: clinical testing. Allele origin: germline.